The following is an entry in ClinVar:

NM_022437.3(ABCG8):c.1336A>C (p.Met446Leu)

Gene: ABCG8 (ATP binding cassette subfamily G member 8; plus strand). Cytogenetic location: 2p21.
Variant type: single nucleotide variant.
Coding change: c.1336A>C on transcript NM_022437.3 (MANE Select); coding-DNA position 1336, A replaced by C.
Protein change: p.Met446Leu; replaces methionine 446 with leucine.
Molecular consequence: missense variant.
Genome position (GRCh38, 1-based): chr2:43,873,911, A>C. VCF-style: chr2-43873911-A-C. GRCh37 (hg19) VCF-style: chr2-44101050-A-C.
Other names: c.1333A>C, p.Met445Leu (NM_001357321.2); short protein forms M446L, M445L.
Identifiers: ClinVar variation 2301993 (VCV002301993.2), dbSNP rs774038687, ClinGen allele CA346669472.

ClinVar aggregate classification (germline): Uncertain significance (1 of 4 stars; one submission).

Conditions:
Cardiovascular phenotype. Identifiers: MedGen CN230736.

Allele frequency attached by ClinVar (database versions not stated): gnomAD 0.00001.
gnomAD v4.1: 1 of 1,613,906 alleles (0.000062%); highest among the groups gnomAD compares: Admixed American, 0.0017%; no homozygotes.

Submission:

Ambry Genetics
Classification: Uncertain significance for Cardiovascular phenotype. Last evaluated: 2024-01-08. Review status: criteria provided, single submitter. Criteria: Ambry Variant Classification Scheme 2023. Collection method: clinical testing. Allele origin: germline.
Comment: The p.M446L variant (also known as c.1336A>C), located in coding exon 9 of the ABCG8 gene, results from an A to C substitution at nucleotide position 1336. The methionine at codon 446 is replaced by leucine, an amino acid with highly similar properties. This amino acid position is conserved. In addition, this alteration is predicted to be tolerated by in silico analysis. Since supporting evidence is limited at this time, the clinical significance of this alteration remains unclear.